The following is an entry in ClinVar:

ClinVar aggregate classification (germline): Uncertain significance (1 of 4 stars; one submission).

Conditions:
Ehlers-Danlos syndrome, type 4 (EDSVASC). Also called: Ehlers-Danlos syndrome vascular type; Ehlers Danlos syndrome, ecchymotic type; Ehlers Danlos syndrome, arterial type; Ehlers Danlos syndrome, Sack-Barabas type; Ehlers-Danlos Syndrome Type IV. Identifiers: Orphanet 286, MedGen C0268338, MONDO:0017314, OMIM 130050.

Submission:

Labcorp Genetics (formerly Invitae), Labcorp
Classification: Uncertain significance for Ehlers-Danlos syndrome, type 4. Last evaluated: 2025-10-26. Review status: criteria provided, single submitter. Criteria: Invitae Variant Classification Sherloc (09022015). Collection method: clinical testing. Allele origin: germline.
Comment: This sequence change replaces lysine, which is basic and polar, with asparagine, which is neutral and polar, at codon 1313 of the COL3A1 protein (p.Lys1313Asn). This variant is not present in population databases (gnomAD no frequency). This variant has not been reported in the literature in individuals affected with COL3A1-related conditions. Invitae Evidence Modeling of protein sequence and biophysical properties (such as structural, functional, and spatial information, amino acid conservation, physicochemical variation, residue mobility, and thermodynamic stability) indicates that this missense variant is not expected to disrupt COL3A1 protein function with a negative predictive value of 95%. In summary, the available evidence is currently insufficient to determine the role of this variant in disease. Therefore, it has been classified as a Variant of Uncertain Significance.

NM_000090.4(COL3A1):c.3939A>T (p.Lys1313Asn)

Gene: COL3A1 (collagen type III alpha 1 chain; plus strand). Cytogenetic location: 2q32.2.
Variant type: single nucleotide variant.
Coding change: c.3939A>T on transcript NM_000090.4 (MANE Select); coding-DNA position 3939, A replaced by T.
Protein change: p.Lys1313Asn; replaces lysine 1313 with asparagine.
Molecular consequence: missense variant.
Genome position (GRCh38, 1-based): chr2:189,010,293, A>T. VCF-style: chr2-189010293-A-T. GRCh37 (hg19) VCF-style: chr2-189875019-A-T.
Other names: short protein forms K1313N.
Identifiers: ClinVar variation 4800336 (VCV004800336.1).